The following is an entry in ClinVar:

NM_001374385.1(ATP8B1):c.334C>T (p.Leu112=)

Gene: ATP8B1 (ATPase phospholipid transporting 8B1; minus strand). Cytogenetic location: 18q21.31.
Variant type: single nucleotide variant.
Coding change: c.334C>T on transcript NM_001374385.1 (MANE Select); coding-DNA position 334, C replaced by T.
Protein change: p.Leu112=; no amino-acid change (leucine 112 retained).
Molecular consequence: synonymous variant.
Genome position (GRCh38, 1-based): chr18:57,704,614, G>A on the plus strand (C>T on the coding strand, the complement: ATP8B1 is on the minus strand). VCF-style: chr18-57704614-G-A. GRCh37 (hg19) VCF-style: chr18-55371846-G-A.
Other names: c.184C>T, p.Leu62= (NM_001374386.1); c.334C>T, p.Leu112= (NM_005603.6).
Identifiers: ClinVar variation 742577 (VCV000742577.8), dbSNP rs750655669, ClinGen allele CA8974885.

ClinVar aggregate classification (germline): Likely benign. Review status: criteria provided, single submitter (1 of 4 stars). 2 submissions from 2 submitters: Likely benign (1). 1 of the submissions does not count toward it. Last evaluated 2026-01-26.

Conditions:
ATP8B1-related disorder. Also called: ATP8B1-related disorders; ATP8B1-related condition.

Allele frequency attached by ClinVar (database versions not stated): gnomAD exomes 0.00003 and 0.00011; ExAC 0.00007; gnomAD 0.00008 and 0.00009; TOPMed 0.00020.
gnomAD v4.1: 75 of 1,612,130 alleles (0.0047%); highest among the groups gnomAD compares: Admixed American, 0.075%; no homozygotes.

Submissions (2):

Labcorp Genetics (formerly Invitae), Labcorp
Classification: Likely benign. Last evaluated: 2026-01-26. Review status: criteria provided, single submitter. Criteria: Invitae Variant Classification Sherloc (09022015). Collection method: clinical testing. Allele origin: germline.

PreventionGenetics, part of Exact Sciences
Classification: Likely benign for ATP8B1-related condition. Last evaluated: 2021-04-21. Review status: no assertion criteria provided. Collection method: clinical testing. Allele origin: germline. Not counted in ClinVar's aggregate classification.
Comment: This variant is classified as likely benign based on ACMG/AMP sequence variant interpretation guidelines (Richards et al. 2015 PMID: 25741868, with internal and published modifications).